The following is an entry in ClinVar:

NM_014795.4(ZEB2):c.75G>A (p.Val25=)

Gene: ZEB2 (zinc finger E-box binding homeobox 2; minus strand). Cytogenetic location: 2q22.3.
Variant type: single nucleotide variant.
Coding change: c.75G>A on transcript NM_014795.4 (MANE Select); coding-DNA position 75, G replaced by A.
Protein change: p.Val25=; no amino-acid change (valine 25 retained).
Molecular consequence: synonymous variant.
Genome position (GRCh38, 1-based): chr2:144,430,025, C>T on the plus strand (G>A on the coding strand, the complement: ZEB2 is on the minus strand). VCF-style: chr2-144430025-C-T. GRCh37 (hg19) VCF-style: chr2-145187592-C-T.
Other names: c.75G>A, p.Val25= (NM_001171653.2).
Identifiers: ClinVar variation 1061759 (VCV001061759.9), dbSNP rs1475402465, ClinGen allele CA429220744.

ClinVar aggregate classification (germline): Uncertain significance (1 of 4 stars; one submission).

Conditions:
Mowat-Wilson syndrome (MOWS). Also called: Classic Mowat-Wilson Syndrome. Identifiers: Orphanet 2152, MedGen C1856113, MONDO:0009341, OMIM 235730.

Allele frequency attached by ClinVar (database versions not stated): gnomAD 0.00002; TOPMed 0.00002; gnomAD exomes 0.00001.
gnomAD v4.1: 20 of 1,612,770 alleles (0.0012%); highest among the groups gnomAD compares: Non-Finnish European, 0.0015%; no homozygotes.

Submission:

Labcorp Genetics (formerly Invitae), Labcorp
Classification: Uncertain significance for Mowat-Wilson syndrome. Last evaluated: 2025-11-27. Review status: criteria provided, single submitter. Criteria: Invitae Variant Classification Sherloc (09022015). Collection method: clinical testing. Allele origin: germline.
Comment: This sequence change affects codon 25 of the ZEB2 mRNA. It is a 'silent' change, meaning that it does not change the encoded amino acid sequence of the ZEB2 protein. This variant is not present in population databases (gnomAD no frequency). This variant has not been reported in the literature in individuals affected with ZEB2-related conditions. ClinVar contains an entry for this variant (Variation ID: 1061759). Algorithms developed to predict the effect of sequence changes on RNA splicing suggest that this variant may create or strengthen a splice site. In summary, the available evidence is currently insufficient to determine the role of this variant in disease. Therefore, it has been classified as a Variant of Uncertain Significance.